The following is an entry in ClinVar:

NM_001244008.2(KIF1A):c.5074G>A (p.Gly1692Ser)

Gene: KIF1A (kinesin family member 1A; minus strand). Cytogenetic location: 2q37.3.
Variant type: single nucleotide variant.
Coding change: c.5074G>A on transcript NM_001244008.2 (MANE Select); coding-DNA position 5074, G replaced by A.
Protein change: p.Gly1692Ser; replaces glycine 1692 with serine.
Molecular consequence: missense variant.
Genome position (GRCh38, 1-based): chr2:240,719,146, C>T on the plus strand (G>A on the coding strand, the complement: KIF1A is on the minus strand). VCF-style: chr2-240719146-C-T. GRCh37 (hg19) VCF-style: chr2-241658563-C-T.
Other names: c.4798G>A, p.Gly1600Ser (NM_001320705.2, NM_001379649.1); c.4825G>A, p.Gly1609Ser (NM_001330289.2); c.4873G>A, p.Gly1625Ser (NM_001330290.2, NM_001379648.1); c.5149G>A, p.Gly1717Ser (NM_001379631.1); c.5050G>A, p.Gly1684Ser (NM_001379632.1); c.5047G>A, p.Gly1683Ser (NM_001379633.1, NM_001379645.1); c.4900G>A, p.Gly1634Ser (NM_001379634.1); c.4897G>A, p.Gly1633Ser (NM_001379635.1, NM_001379646.1); and 7 more; short protein forms G1590S, G1599S, G1600S, G1616S, G1629S, G1633S, G1683S, G1609S.
Identifiers: ClinVar variation 2925896 (VCV002925896.5), dbSNP rs1218803214, ClinGen allele CA351298676.

ClinVar aggregate classification (germline): Uncertain significance. Review status: criteria provided, multiple submitters, no conflicts (2 of 4 stars). 2 submissions from 2 submitters: Uncertain significance (2). Last evaluated 2025-08-22.

Conditions:
Hereditary spastic paraplegia 30. Identifiers: Orphanet 101010, MedGen C5235139, MONDO:0012476.
Neuropathy, hereditary sensory, type 2C. Also called: Hereditary sensory and autonomic neuropathy type IIC; KIF1A-Related HSAN2 (HSAN2C). Identifiers: Orphanet 970, MedGen C3280168, MONDO:0013634, OMIM 614213.
Intellectual disability, autosomal dominant 9 (NESCAVS). Also called: NESCAV SYNDROME; KIF1A-Related Neurodevelopmental Disorder. Identifiers: Orphanet 662367, MedGen C5393830, MONDO:0013656, OMIM 614255.

Allele frequency attached by ClinVar (database versions not stated): TOPMed below 0.00001; gnomAD 0.00001; gnomAD exomes below 0.00001.

Submissions (2):

Dasa
Classification: Uncertain significance for Intellectual disability, autosomal dominant 9. Last evaluated: 2025-08-22. Review status: criteria provided, single submitter. Criteria: DASA Assertion Criteria. Collection method: clinical testing. Allele origin: germline.
Comment: NM_001244008.2(KIF1A):c.5074G>A (p.Gly1692Ser) is a missense variant that results in the substitution of glycine with serine. This variant is rare in population databases. The currently available literature and clinical evidence are not sufficient to establish a definitive association between this variant and the reported condition. Therefore, this variant is classified as a variant of uncertain significance.

Labcorp Genetics (formerly Invitae), Labcorp
Classification: Uncertain significance for Hereditary spastic paraplegia 30; Neuropathy, hereditary sensory, type 2C; Intellectual disability, autosomal dominant 9. Last evaluated: 2025-05-26. Review status: criteria provided, single submitter. Criteria: Invitae Variant Classification Sherloc (09022015). Collection method: clinical testing. Allele origin: germline.
Comment: This sequence change replaces glycine, which is neutral and non-polar, with serine, which is neutral and polar, at codon 1591 of the KIF1A protein (p.Gly1591Ser). This variant is present in population databases (no rsID available, gnomAD 0.0009%). This variant has not been reported in the literature in individuals affected with KIF1A-related conditions. ClinVar contains an entry for this variant (Variation ID: 2925896). Invitae Evidence Modeling of protein sequence and biophysical properties (such as structural, functional, and spatial information, amino acid conservation, physicochemical variation, residue mobility, and thermodynamic stability) indicates that this missense variant is not expected to disrupt KIF1A protein function with a negative predictive value of 95%. In summary, the available evidence is currently insufficient to determine the role of this variant in disease. Therefore, it has been classified as a Variant of Uncertain Significance.